The following is an entry in ClinVar:

ClinVar aggregate classification (germline): Likely benign (0 of 4 stars; one submission).

Conditions:
PLEKHA7-related disorder. Also called: PLEKHA7-related condition.

Allele frequency attached by ClinVar (database versions not stated): TOPMed 0.00002; gnomAD 0.00007; ESP Exome Variant Server 0.00008; ExAC 0.00014; 1000 Genomes Project 30x 0.00016.
gnomAD v4.1: 160 of 1,613,532 alleles (0.0099%); highest among the groups gnomAD compares: South Asian, 0.15%; 1 homozygote.

Submission:

PreventionGenetics, part of Exact Sciences
Classification: Likely benign for PLEKHA7-related condition. Last evaluated: 2019-06-05. Review status: no assertion criteria provided. Collection method: clinical testing. Allele origin: germline.
Comment: This variant is classified as likely benign based on ACMG/AMP sequence variant interpretation guidelines (Richards et al. 2015 PMID: 25741868, with internal and published modifications).

NM_001329630.2(PLEKHA7):c.2670G>A (p.Pro890=)

Gene: PLEKHA7 (pleckstrin homology domain containing A7; minus strand). Cytogenetic location: 11p15.2.
Variant type: single nucleotide variant.
Coding change: c.2670G>A on transcript NM_001329630.2 (MANE Select); coding-DNA position 2670, G replaced by A.
Protein change: p.Pro890=; no amino-acid change (proline 890 retained).
Molecular consequence: synonymous variant.
Genome position (GRCh38, 1-based): chr11:16,794,563, C>T on the plus strand (G>A on the coding strand, the complement: PLEKHA7 is on the minus strand). VCF-style: chr11-16794563-C-T. GRCh37 (hg19) VCF-style: chr11-16816110-C-T.
Other names: c.2670G>A, p.Pro890= (NM_001329631.2, NM_001410960.1, NM_175058.5).
Identifiers: ClinVar variation 3044341 (VCV003044341.2), dbSNP rs369109102, ClinGen allele CA5899029.